The following is an entry in ClinVar:

NM_006593.4(TBR1):c.1298A>C (p.Gln433Pro)

Gene: TBR1 (T-box brain transcription factor 1; plus strand). Cytogenetic location: 2q24.2.
Variant type: single nucleotide variant.
Coding change: c.1298A>C on transcript NM_006593.4 (MANE Select); coding-DNA position 1298, A replaced by C.
Protein change: p.Gln433Pro; replaces glutamine 433 with proline.
Molecular consequence: missense variant.
Genome position (GRCh38, 1-based): chr2:161,423,476, A>C. VCF-style: chr2-161423476-A-C. GRCh37 (hg19) VCF-style: chr2-162279987-A-C.
Other names: short protein forms Q433P.
Identifiers: ClinVar variation 4632776 (VCV004632776.2).

ClinVar aggregate classification (germline): Uncertain significance. Review status: criteria provided, multiple submitters, no conflicts (2 of 4 stars). 2 submissions from 2 submitters: Uncertain significance (2). Last evaluated 2026-01-22.

Conditions:
Inborn genetic diseases. Identifiers: MedGen C0950123, MeSH D030342.

gnomAD v4.1: 2 of 1,607,200 alleles (0.00012%); highest among the groups gnomAD compares: African/African-American, 0.0027%; no homozygotes.

Submissions (2):

GeneDx
Classification: Uncertain significance. Last evaluated: 2026-01-22. Review status: criteria provided, single submitter. Criteria: GeneDx Variant Classification Process June 2021. Collection method: clinical testing. Allele origin: germline.
Comment: Not observed at significant frequency in large population cohorts (gnomAD); In silico analysis suggests that this missense variant does not alter protein structure/function; Has not been previously published as pathogenic or benign to our knowledge

Ambry Genetics
Classification: Uncertain significance for Inborn genetic diseases. Last evaluated: 2025-10-22. Review status: criteria provided, single submitter. Criteria: Ambry Variant Classification Scheme 2023. Collection method: clinical testing. Allele origin: germline.